The following is an entry in ClinVar:

ClinVar aggregate classification (germline): Uncertain significance. Review status: criteria provided, multiple submitters, no conflicts (2 of 4 stars). 3 submissions from 3 submitters: Uncertain significance (3). Last evaluated 2026-05-04.

Conditions:
Pheochromocytoma/paraganglioma syndrome 3. Also called: GLOMUS TUMORS, FAMILIAL, 3; Paragangliomas 3; SDHC-Related Hereditary Paraganglioma-Pheochromocytoma Syndrome (Paragangliomas 3); SDHC-Related Hereditary Paraganglioma-Pheochromocytoma Syndrome. Identifiers: Orphanet 29072, MedGen C1854336, MONDO:0011544, OMIM 605373.
Gastrointestinal stromal tumor. Also called: Gastrointestinal stroma tumor; Gastrointestinal stromal tumor, somatic. Identifiers: Orphanet 44890, MedGen C0238198, MeSH D046152, MONDO:0011719, OMIM 606764, HP:0100723.
Hereditary cancer-predisposing syndrome. Also called: Tumor predisposition; Hereditary Cancer Syndrome; Hereditary neoplastic syndrome; Neoplastic Syndromes, Hereditary. Identifiers: Orphanet 140162, MedGen C0027672, MeSH D009386, MONDO:0015356.

Allele frequency attached by ClinVar (database versions not stated): gnomAD exomes below 0.00001.
gnomAD v4.1: 2 of 1,600,050 alleles (0.00012%); highest among the groups gnomAD compares: South Asian, 0.0011%; no homozygotes.

Submissions (3):

Ambry Genetics
Classification: Uncertain significance for Hereditary cancer-predisposing syndrome. Last evaluated: 2026-05-04. Review status: criteria provided, single submitter. Criteria: Ambry Variant Classification Scheme 2023. Collection method: clinical testing. Allele origin: germline.
Comment: The p.I58T variant (also known as c.173T>C), located in coding exon 3 of the SDHC gene, results from a T to C substitution at nucleotide position 173. The isoleucine at codon 58 is replaced by threonine, an amino acid with similar properties. This variant was reported in individual(s) with features consistent with SDHC-related hereditary pheochromocytoma-paraganglioma (Neumann HP et al. Cancer Res, 2009 Apr;69:3650-6). This amino acid position is highly conserved in available vertebrate species. In addition, this alteration is predicted to be deleterious by in silico analysis. Based on the available evidence, the clinical significance of this variant remains unclear.

Dasa
Classification: Uncertain significance for paragangliomas 3. Last evaluated: 2025-11-26. Review status: criteria provided, single submitter. Criteria: DASA Assertion Criteria. Collection method: clinical testing. Allele origin: germline.
Comment: NM_003001.5(SDHC):c.173T>C (p.Ile58Thr) is a missense variant that results in the substitution of isoleucine with threonine. This variant has been recurrently observed in individuals with SDHC-related disorders (PMID: 19351833; PMID: 23175444). Functional evidence supports an impact on the gene or gene product (PMID: 19351833; PMID: 23175444). Also, this variant is rare in population databases. Computational prediction algorithms are consistent with a deleterious effect. The currently available literature and clinical evidence are not sufficient to establish a definitive association between this variant and the reported condition. Therefore, this variant is classified as a variant of uncertain significance.

Labcorp Genetics (formerly Invitae), Labcorp
Classification: Uncertain significance for Pheochromocytoma/paraganglioma syndrome 3; Gastrointestinal stromal tumor. Last evaluated: 2022-11-13. Review status: criteria provided, single submitter. Criteria: Invitae Variant Classification Sherloc (09022015). Collection method: clinical testing. Allele origin: germline.
Comment: Experimental studies have shown that this missense change does not substantially affect SDHC function (PMID: 23175444). This sequence change replaces isoleucine, which is neutral and non-polar, with threonine, which is neutral and polar, at codon 58 of the SDHC protein (p.Ile58Thr). This variant is present in population databases (no rsID available, gnomAD 0.003%). This missense change has been observed in individual(s) with head and neck paraganglioma (PMID: 19351833). ClinVar contains an entry for this variant (Variation ID: 1403117). Algorithms developed to predict the effect of missense changes on protein structure and function are either unavailable or do not agree on the potential impact of this missense change (SIFT: "Deleterious"; PolyPhen-2: "Probably Damaging"; Align-GVGD: "Class C0"). In summary, the available evidence is currently insufficient to determine the role of this variant in disease. Therefore, it has been classified as a Variant of Uncertain Significance.

Literature cited by the submitters: PubMed 19351833 (cited by 3 submitters); PubMed 23175444 (cited by 3 submitters).

NM_003001.5(SDHC):c.173T>C (p.Ile58Thr)

Gene: SDHC (succinate dehydrogenase complex subunit C; plus strand). Cytogenetic location: 1q23.3.
Variant type: single nucleotide variant.
Coding change: c.173T>C on transcript NM_003001.5 (MANE Select); coding-DNA position 173, T replaced by C.
Protein change: p.Ile58Thr; replaces isoleucine 58 with threonine.
Molecular consequence: missense variant. On other transcripts: non-coding transcript variant (1), intron variant (4).
Genome position (GRCh38, 1-based): chr1:161,328,491, T>C. VCF-style: chr1-161328491-T-C. GRCh37 (hg19) VCF-style: chr1-161298281-T-C.
Other names: c.173T>C, p.Ile58Thr (NM_001035511.3, NM_001407115.1); c.116T>C, p.Ile39Thr (NM_001407116.1, NM_001407117.1, NM_001407121.1); c.62T>C, p.Ile21Thr (NM_001407119.1, NM_001407120.1); c.77+4821T>C (NM_001035512.3, NM_001278172.3, NM_001407118.1); c.21-12103T>C (NM_001035513.3); short protein forms I58T, I21T, I39T.
Identifiers: ClinVar variation 1403117 (VCV001403117.12), dbSNP rs999134407, ClinGen allele CA31686060.
Genomic context (GRCh38, chr1:161,328,491, plus strand): 5'-TGGAGCGGTTCTGGAATAAGAATATAGGTTCAAACCGTCCTCTGTCTCCCCACATTACTA[T>C]CTACAGGTAAGGAAGGATTCTGGAGCCAGAGAATCTAGAGGTAGTGGGTGAAAGTTCTGA-3'
Protein context (NP_002992.1, residues 48-68): SNRPLSPHIT[Ile58Thr]YSWSLPMAMS